The following is an entry in ClinVar:

ClinVar aggregate classification (germline): Uncertain significance (1 of 4 stars; one submission).

Submission:

GeneDx
Classification: Uncertain significance. Last evaluated: 2024-12-26. Review status: criteria provided, single submitter. Criteria: GeneDx Variant Classification Process June 2021. Collection method: clinical testing. Allele origin: germline. Affected: yes.
Comment: Frameshift variant predicted to result in protein truncation or nonsense mediated decay in a gene for which loss-of-function is not an established mechanism of disease; Not observed at significant frequency in large population cohorts (gnomAD); Has not been previously published as pathogenic or benign to our knowledge; Variants in candidate genes are classified as variants of uncertain significance in accordance with ACMG guidelines (PMID: 25741868)

NM_020180.4(CELF4):c.1201del (p.Gln401fs)

Gene: CELF4 (CUGBP Elav-like family member 4; minus strand). Cytogenetic location: 18q12.2.
Variant type: Deletion.
Coding change: c.1201del on transcript NM_020180.4 (MANE Select); coding-DNA position 1201, one base deleted (C; older notation c.1201delC).
Protein change: p.Gln401fs; shifts the reading frame from glutamine 401.
Molecular consequence: frameshift variant. On other transcripts: non-coding transcript variant (11).
Genome position (GRCh38, 1-based): chr18:37,264,722, G deleted on the plus strand (C on the coding strand, the reverse complement: CELF4 is on the minus strand); the first of 2 consecutive G bases (chr18:37,264,722-37,264,723); deleting either gives the same sequence. VCF-style (leftmost placement, unchanged base first): chr18-37264721-TG-T. GRCh37 (hg19) VCF-style: chr18-34844684-TG-T.
Other names: c.1198del, p.Gln400fs (NM_001025087.2, NM_001353696.2, NM_001353698.2 and 7 more transcripts); c.1195del, p.Gln399fs (NM_001025088.2, NM_001330603.2, NM_001353724.2 and 8 more transcripts); c.1171del, p.Gln391fs (NM_001025089.2, NM_001353703.2, NM_001353715.2 and 1 more transcripts); c.1165del, p.Gln389fs (NM_001353695.2, NM_001353699.2, NM_001353706.2 and 9 more transcripts); c.1168del, p.Gln390fs (NM_001353697.2, NM_001353700.2, NM_001353707.2 and 8 more transcripts); c.1192del, p.Gln398fs (NM_001353702.2, NM_001353716.2, NM_001353718.2 and 1 more transcripts); c.1162del, p.Gln388fs (NM_001353705.2, NM_001353711.2, NM_001353714.2 and 3 more transcripts); c.1201del, p.Gln401fs (NM_001353708.2, NM_001353734.2, NM_001353740.2); and 6 more; short protein forms Q267fs, Q268fs, Q276fs, Q277fs, Q387fs, Q388fs, Q389fs, Q390fs.
Identifiers: ClinVar variation 3907857 (VCV003907857.1).
Genomic context (GRCh38, chr18:37,264,721, plus strand): 5'-CCTGCAGACTCACCTTCTCTCTGCTGCTGGGGGATCATTGGAGGCGGCTGAGGAAAGGCC[TG>T]GCTTATCTGACCATAGGCAGCAGGGTAGGCAGCTGCTGGAGGCCCAAGACAAGAAGCAAG-3'